The following is an entry in ClinVar:

NM_000089.4(COL1A2):c.133-5A>G

Gene: COL1A2 (collagen type I alpha 2 chain; plus strand). Cytogenetic location: 7q21.3.
Variant type: single nucleotide variant.
Coding change: c.133-5A>G on transcript NM_000089.4 (MANE Select); 5 bases into the intron before coding-DNA position 133, A replaced by G.
Molecular consequence: intron variant.
Genome position (GRCh38, 1-based): chr7:94,400,191, A>G. VCF-style: chr7-94400191-A-G. GRCh37 (hg19) VCF-style: chr7-94029503-A-G.
Identifiers: ClinVar variation 1770224 (VCV001770224.8), dbSNP rs773839903, ClinGen allele CA4346530.

ClinVar aggregate classification (germline): Conflicting classifications of pathogenicity. Review status: criteria provided, conflicting classifications (1 of 4 stars). 2 submissions from 2 submitters: Uncertain significance (1); Likely benign (1). Last evaluated 2026-08-27.

Conditions:
Ehlers-Danlos syndrome, classic type, 1 (EDSCL1). Also called: EHLERS-DANLOS SYNDROME, GRAVIS TYPE; EHLERS-DANLOS SYNDROME, SEVERE CLASSIC TYPE; Ehlers-Danlos Syndrome, Classic Type, COL5A1-Related; Ehlers-Danlos syndrome, type 1; EDS I. Identifiers: MedGen C0268335, MONDO:0019567, OMIM 130000.
Osteogenesis imperfecta type I (OI1). Also called: OI, TYPE I; OSTEOGENESIS IMPERFECTA TARDA; OSTEOGENESIS IMPERFECTA WITH BLUE SCLERAE; Osteogenesis imperfecta type 1; Lobstein's Disease; Lobstein disease. Identifiers: Orphanet 216796, Orphanet 666, MedGen C0023931, MONDO:0008146, OMIM 166200. Disease mechanism: loss of function.
Cardiovascular phenotype. Identifiers: MedGen CN230736.

Allele frequency attached by ClinVar (database versions not stated): TOPMed 0.00001; gnomAD exomes 0.00002; ExAC 0.00007.
gnomAD v4.1: 29 of 1,613,494 alleles (0.0018%); highest among the groups gnomAD compares: Non-Finnish European, 0.0019%; no homozygotes.

Submissions (2):

Ambry Genetics
Classification: Uncertain significance for Cardiovascular phenotype. Last evaluated: 2026-08-27. Review status: criteria provided, single submitter. Criteria: Ambry Variant Classification Scheme 2023. Collection method: clinical testing. Allele origin: germline.
Comment: The c.133-5A>G intronic variant results from an A to G substitution 5 nucleotides upstream from coding exon 5 in the COL1A2 gene. This nucleotide position is well conserved in available vertebrate species. In silico splice site analysis predicts that this alteration will not have any significant effect on splicing. Based on the available evidence, the clinical significance of this variant remains unclear.

Labcorp Genetics (formerly Invitae), Labcorp
Classification: Likely benign for Osteogenesis imperfecta type I; Ehlers-Danlos syndrome, classic type, 1. Last evaluated: 2024-10-12. Review status: criteria provided, single submitter. Criteria: Invitae Variant Classification Sherloc (09022015). Collection method: clinical testing. Allele origin: germline.